The following is an entry in ClinVar:

ClinVar aggregate classification (germline): Uncertain significance (1 of 4 stars; one submission).

Conditions:
Hypertrophic cardiomyopathy. Also called: HYPERTROPHIC MYOCARDIOPATHY. Identifiers: Orphanet 217569, MedGen C0007194, MeSH D002312, MONDO:0005045, HP:0001639.

Submission:

Labcorp Genetics (formerly Invitae), Labcorp
Classification: Uncertain significance for Hypertrophic cardiomyopathy. Last evaluated: 2022-05-01. Review status: criteria provided, single submitter. Criteria: Invitae Variant Classification Sherloc (09022015). Collection method: clinical testing. Allele origin: germline.
Comment: This variant is not present in population databases (gnomAD no frequency). This sequence change replaces threonine, which is neutral and polar, with alanine, which is neutral and non-polar, at codon 547 of the MYH7 protein (p.Thr547Ala). This variant is found within a region of MYH7 between codons 181 and 937 that contains the majority of the myosin head domain. Missense variants in this region have been shown to be significantly overrepresented in individuals with hypertrophic cardiomyopathy (PMID: 27532257). In summary, the available evidence is currently insufficient to determine the role of this variant in disease. Therefore, it has been classified as a Variant of Uncertain Significance. This variant has not been reported in the literature in individuals affected with MYH7-related conditions. Algorithms developed to predict the effect of missense changes on protein structure and function are either unavailable or do not agree on the potential impact of this missense change (SIFT: "Deleterious"; PolyPhen-2: "Benign"; Align-GVGD: "Class C55").

Literature cited by the submitters: PubMed 27532257.

NM_000257.4(MYH7):c.1639A>G (p.Thr547Ala)

Gene: MYH7 (myosin heavy chain 7; minus strand). Cytogenetic location: 14q11.2.
Variant type: single nucleotide variant.
Coding change: c.1639A>G on transcript NM_000257.4 (MANE Select); coding-DNA position 1639, A replaced by G.
Protein change: p.Thr547Ala; replaces threonine 547 with alanine.
Molecular consequence: missense variant.
Genome position (GRCh38, 1-based): chr14:23,427,834, T>C on the plus strand (A>G on the coding strand, the complement: MYH7 is on the minus strand). VCF-style: chr14-23427834-T-C. GRCh37 (hg19) VCF-style: chr14-23897043-T-C.
Other names: short protein forms T547A.
Identifiers: ClinVar variation 1501551 (VCV001501551.6), dbSNP rs1208449412, ClinGen allele CA389050139.